The following is an entry in ClinVar:

ClinVar aggregate classification (germline): Uncertain significance (1 of 4 stars; one submission).

Submission:

Labcorp Genetics (formerly Invitae), Labcorp
Classification: Uncertain significance. Last evaluated: 2022-09-06. Review status: criteria provided, single submitter. Criteria: Invitae Variant Classification Sherloc (09022015). Collection method: clinical testing. Allele origin: germline.
Comment: Algorithms developed to predict the effect of missense changes on protein structure and function output the following: SIFT: "Tolerated"; PolyPhen-2: "Benign"; Align-GVGD: "Class C0". The glutamic acid amino acid residue is found in multiple mammalian species, which suggests that this missense change does not adversely affect protein function. In summary, the available evidence is currently insufficient to determine the role of this variant in disease. Therefore, it has been classified as a Variant of Uncertain Significance. This variant has not been reported in the literature in individuals affected with TRIP4-related conditions. This variant is not present in population databases (gnomAD no frequency). This sequence change replaces glutamine, which is neutral and polar, with glutamic acid, which is acidic and polar, at codon 19 of the TRIP4 protein (p.Gln19Glu).

NM_016213.5(TRIP4):c.55C>G (p.Gln19Glu)

Gene: TRIP4 (thyroid hormone receptor interactor 4; plus strand). Cytogenetic location: 15q22.31.
Variant type: single nucleotide variant.
Coding change: c.55C>G on transcript NM_016213.5 (MANE Select); coding-DNA position 55, C replaced by G.
Protein change: p.Gln19Glu; replaces glutamine 19 with glutamic acid.
Molecular consequence: missense variant. On other transcripts: 5 prime UTR variant (1), non-coding transcript variant (1).
Genome position (GRCh38, 1-based): chr15:64,387,918, C>G. VCF-style: chr15-64387918-C-G. GRCh37 (hg19) VCF-style: chr15-64680117-C-G.
Other names: c.-720C>G (NM_001321924.2); short protein forms Q19E.
Identifiers: ClinVar variation 2006532 (VCV002006532.4), dbSNP rs1899995187, ClinGen allele CA393193403.